The following is an entry in ClinVar:

NM_022454.4(SOX17):c.766G>T (p.Val256Phe)

Gene: SOX17 (SRY-box transcription factor 17; plus strand). Cytogenetic location: 8q11.23.
Variant type: single nucleotide variant.
Coding change: c.766G>T on transcript NM_022454.4 (MANE Select); coding-DNA position 766, G replaced by T.
Protein change: p.Val256Phe; replaces valine 256 with phenylalanine.
Molecular consequence: missense variant.
Genome position (GRCh38, 1-based): chr8:54,459,516, G>T. VCF-style: chr8-54459516-G-T. GRCh37 (hg19) VCF-style: chr8-55372076-G-T.
Other names: c.766G>T (NM_022454.3); short protein forms V256F.
Identifiers: ClinVar variation 1906680 (VCV001906680.6), dbSNP rs773047291, ClinGen allele CA177527816.

ClinVar aggregate classification (germline): Uncertain significance. Review status: criteria provided, multiple submitters, no conflicts (2 of 4 stars). 2 submissions from 2 submitters: Uncertain significance (2). Last evaluated 2025-08-13.

Conditions:
Inborn genetic diseases. Identifiers: MedGen C0950123, MeSH D030342.

Allele frequency attached by ClinVar (database versions not stated): TOPMed 0.00004; gnomAD 0.00007.

Submissions (2):

Ambry Genetics
Classification: Uncertain significance for Inborn genetic diseases. Last evaluated: 2025-08-13. Review status: criteria provided, single submitter. Criteria: Ambry Variant Classification Scheme 2023. Collection method: clinical testing. Allele origin: germline.

Labcorp Genetics (formerly Invitae), Labcorp
Classification: Uncertain significance. Last evaluated: 2022-09-23. Review status: criteria provided, single submitter. Criteria: Invitae Variant Classification Sherloc (09022015). Collection method: clinical testing. Allele origin: germline.
Comment: This sequence change replaces valine, which is neutral and non-polar, with phenylalanine, which is neutral and non-polar, at codon 256 of the SOX17 protein (p.Val256Phe). This variant is present in population databases (rs773047291, gnomAD 0.03%). This variant has not been reported in the literature in individuals affected with SOX17-related conditions. Advanced modeling of protein sequence and biophysical properties (such as structural, functional, and spatial information, amino acid conservation, physicochemical variation, residue mobility, and thermodynamic stability) performed at Invitae indicates that this missense variant is not expected to disrupt SOX17 protein function. In summary, the available evidence is currently insufficient to determine the role of this variant in disease. Therefore, it has been classified as a Variant of Uncertain Significance.